The following is an entry in ClinVar:

NM_016343.4(CENPF):c.8322G>A (p.Lys2774=)

Gene: CENPF (centromere protein F; plus strand). Cytogenetic location: 1q41.
Variant type: single nucleotide variant.
Coding change: c.8322G>A on transcript NM_016343.4 (MANE Select); coding-DNA position 8322, G replaced by A.
Protein change: p.Lys2774=; no amino-acid change (lysine 2774 retained).
Molecular consequence: synonymous variant.
Genome position (GRCh38, 1-based): chr1:214,652,989, G>A. VCF-style: chr1-214652989-G-A. GRCh37 (hg19) VCF-style: chr1-214826332-G-A.
Identifiers: ClinVar variation 1438843 (VCV001438843.7), dbSNP rs148269041, ClinGen allele CA1391367.
Genomic context (GRCh38, chr1:214,652,989, plus strand): 5'-AGAGCTCAATAATTCATTGAAAGCTACTACTCAGATTTTGGAAGAATTGAAGAAAACCAA[G>A]GTATGTTCACTTTAATTTGCTTCATGATTTCGAATGGTTTATACAGGTGGTAGTGATTTT-3'
Protein context (NP_057427.3, residues 2764-2784): TQILEELKKT[Lys2774=]MDNLKYVNQL

ClinVar aggregate classification (germline): Uncertain significance. Review status: criteria provided, multiple submitters, no conflicts (2 of 4 stars). 2 submissions from 2 submitters: Uncertain significance (2). Last evaluated 2023-04-24.

Allele frequency attached by ClinVar (database versions not stated): gnomAD 0.00001 and 0.00003; gnomAD exomes 0.00003 and 0.00006; TOPMed 0.00005; ExAC 0.00007; ESP Exome Variant Server 0.00015.

Submissions (2):

Labcorp Genetics (formerly Invitae), Labcorp
Classification: Uncertain significance. Last evaluated: 2023-04-24. Review status: criteria provided, single submitter. Criteria: Invitae Variant Classification Sherloc (09022015). Collection method: clinical testing. Allele origin: germline.
Comment: This variant has not been reported in the literature in individuals affected with CENPF-related conditions. This sequence change affects codon 2774 of the CENPF mRNA. It is a 'silent' change, meaning that it does not change the encoded amino acid sequence of the CENPF protein. This variant also falls at the last nucleotide of exon 16, which is part of the consensus splice site for this exon. This variant is present in population databases (rs148269041, gnomAD 0.01%). ClinVar contains an entry for this variant (Variation ID: 1438843). Variants that disrupt the consensus splice site are a relatively common cause of aberrant splicing (PMID: 17576681, 9536098). Algorithms developed to predict the effect of sequence changes on RNA splicing suggest that this variant is not likely to affect RNA splicing. In summary, the available evidence is currently insufficient to determine the role of this variant in disease. Therefore, it has been classified as a Variant of Uncertain Significance.

Breakthrough Genomics
Classification: Uncertain significance. Review status: criteria provided, single submitter. Criteria: ACMG Guidelines, 2015. Collection method: not provided. Allele origin: germline. Inheritance: Autosomal recessive inheritance. Affected: yes.

Literature cited by the submitters: PubMed 17576681 (cited by Labcorp Genetics (formerly Invitae), Labcorp); PubMed 9536098 (cited by Labcorp Genetics (formerly Invitae), Labcorp).